The following is an entry in ClinVar:

NM_001458.5(FLNC):c.790C>G (p.Pro264Ala)

Gene: FLNC (filamin C; plus strand). Cytogenetic location: 7q32.1.
Variant type: single nucleotide variant.
Coding change: c.790C>G on transcript NM_001458.5 (MANE Select); coding-DNA position 790, C replaced by G.
Protein change: p.Pro264Ala; replaces proline 264 with alanine.
Molecular consequence: missense variant.
Genome position (GRCh38, 1-based): chr7:128,837,488, C>G. VCF-style: chr7-128837488-C-G. GRCh37 (hg19) VCF-style: chr7-128477542-C-G.
Other names: c.790C>G, p.Pro264Ala (NM_001127487.2); short protein forms P264A.
Identifiers: ClinVar variation 931449 (VCV000931449.5), dbSNP rs1808143178, ClinGen allele CA369222435.

ClinVar aggregate classification (germline): Uncertain significance. Review status: criteria provided, multiple submitters, no conflicts (2 of 4 stars). 3 submissions from 3 submitters: Uncertain significance (3). Last evaluated 2026-02-25.

Conditions:
Hypertrophic cardiomyopathy 26. Also called: Cardiomyopathy, familial hypertrophic, 26. Identifiers: Orphanet 75249, MedGen C4310749, MONDO:0014883, OMIM 617047.

Submissions (3):

GeneDx
Classification: Uncertain significance. Last evaluated: 2026-02-25. Review status: criteria provided, single submitter. Criteria: GeneDx Variant Classification Process June 2021. Collection method: clinical testing. Allele origin: germline.
Comment: Not observed at significant frequency in large population cohorts (gnomAD); In silico analysis supports that this missense variant has a deleterious effect on protein structure/function; Has not been previously published as pathogenic or benign to our knowledge

Blueprint Genetics
Classification: Uncertain significance. Last evaluated: 2024-02-29. Review status: criteria provided, single submitter. Criteria: ACMG Guidelines, 2015. Collection method: clinical testing. Allele origin: germline.

Centre for Mendelian Genomics, University Medical Centre Ljubljana
Classification: Uncertain significance for Hypertrophic cardiomyopathy 26. Last evaluated: 2016-01-01. Review status: criteria provided, single submitter. Criteria: ACMG Guidelines, 2015. Collection method: clinical testing. Allele origin: unknown. Affected: yes.
Comment: This variant was classified as: Uncertain significance. The following ACMG criteria were applied in classifying this variant: PM2,PP3.